The following is an entry in ClinVar:

ClinVar aggregate classification (germline): Uncertain significance. Review status: criteria provided, multiple submitters, no conflicts (2 of 4 stars). 2 submissions from 2 submitters: Uncertain significance (2). Last evaluated 2023-11-27.

Conditions:
Multiple endocrine neoplasia, type 1 (MEN1). Also called: Endocrine adenomatosis multiple; MEN 1; MEN I; WERMER SYNDROME; MEA I. Identifiers: Orphanet 652, MedGen C0025267, MeSH D018761, MONDO:0007540, OMIM 131100.
Hereditary cancer-predisposing syndrome. Also called: Hereditary neoplastic syndrome; Neoplastic Syndromes, Hereditary; Tumor predisposition; Hereditary Cancer Syndrome. Identifiers: Orphanet 140162, MedGen C0027672, MeSH D009386, MONDO:0015356.

Allele frequency attached by ClinVar (database versions not stated): gnomAD exomes below 0.00001; TOPMed below 0.00001; gnomAD 0.00001.
gnomAD v4.1: 2 of 1,613,992 alleles (0.00012%); highest among the groups gnomAD compares: Non-Finnish European, 0.00017%; no homozygotes.

Submissions (2):

Labcorp Genetics (formerly Invitae), Labcorp
Classification: Uncertain significance for Multiple endocrine neoplasia, type 1. Last evaluated: 2023-11-27. Review status: criteria provided, single submitter. Criteria: Invitae Variant Classification Sherloc (09022015). Collection method: clinical testing. Allele origin: germline.
Comment: This sequence change replaces glutamic acid, which is acidic and polar, with lysine, which is basic and polar, at codon 116 of the MEN1 protein (p.Glu116Lys). This variant is not present in population databases (gnomAD no frequency). This variant has not been reported in the literature in individuals affected with MEN1-related conditions. ClinVar contains an entry for this variant (Variation ID: 1000160). Advanced modeling of protein sequence and biophysical properties (such as structural, functional, and spatial information, amino acid conservation, physicochemical variation, residue mobility, and thermodynamic stability) performed at Invitae indicates that this missense variant is expected to disrupt MEN1 protein function with a positive predictive value of 95%. In summary, the available evidence is currently insufficient to determine the role of this variant in disease. Therefore, it has been classified as a Variant of Uncertain Significance.

Ambry Genetics
Classification: Uncertain significance for Hereditary cancer-predisposing syndrome. Last evaluated: 2023-09-27. Review status: criteria provided, single submitter. Criteria: Ambry Variant Classification Scheme 2023. Collection method: clinical testing. Allele origin: germline.
Comment: The p.E116K variant (also known as c.346G>A), located in coding exon 1 of the MEN1 gene, results from a G to A substitution at nucleotide position 346. The glutamic acid at codon 116 is replaced by lysine, an amino acid with similar properties. This amino acid position is conserved. In addition, this alteration is predicted to be deleterious by in silico analysis. Since supporting evidence is limited at this time, the clinical significance of this alteration remains unclear.

NM_001370259.2(MEN1):c.346G>A (p.Glu116Lys)

Gene: MEN1 (menin 1; minus strand). Cytogenetic location: 11q13.1.
Variant type: single nucleotide variant.
Coding change: c.346G>A on transcript NM_001370259.2 (MANE Select); coding-DNA position 346, G replaced by A.
Protein change: p.Glu116Lys; replaces glutamic acid 116 with lysine.
Molecular consequence: missense variant.
Genome position (GRCh38, 1-based): chr11:64,809,764, C>T on the plus strand (G>A on the coding strand, the complement: MEN1 is on the minus strand). VCF-style: chr11-64809764-C-T. GRCh37 (hg19) VCF-style: chr11-64577236-C-T.
Other names: c.346G>A, p.Glu116Lys (NM_130803.3, NM_130804.3, NM_000244.4 and 9 more transcripts); c.346G>A (NM_130799.2); short protein forms E116K.
Identifiers: ClinVar variation 1000160 (VCV001000160.9), dbSNP rs1060499992, ClinGen allele CA381187362.